The following is an entry in ClinVar:

ClinVar aggregate classification (germline): Conflicting classifications of pathogenicity. Review status: criteria provided, conflicting classifications (1 of 4 stars). 2 submissions from 2 submitters: Uncertain significance (1); Likely benign (1). Last evaluated 2026-06-16.

Conditions:
Cardiovascular phenotype. Identifiers: MedGen CN230736.
Hereditary cancer-predisposing syndrome. Also called: Tumor predisposition; Hereditary Cancer Syndrome; Neoplastic Syndromes, Hereditary; Hereditary neoplastic syndrome. Identifiers: Orphanet 140162, MedGen C0027672, MeSH D009386, MONDO:0015356.
Neurofibromatosis, type 1 (NF1). Also called: NEUROFIBROMATOSIS, TYPE I, SOMATIC; VON RECKLINGHAUSEN DISEASE; Neurofibromatosis, type I; Peripheral type neurofibromatosis. Identifiers: Orphanet 636, MedGen C0027831, MONDO:0018975, OMIM 162200. Disease mechanism: loss of function.

Submissions (2):

Ambry Genetics
Classification: Likely benign for Cardiovascular phenotype; Hereditary cancer-predisposing syndrome. Last evaluated: 2026-06-16. Review status: criteria provided, single submitter. Criteria: Ambry Variant Classification Scheme 2023. Collection method: clinical testing. Allele origin: germline.

Labcorp Genetics (formerly Invitae), Labcorp
Classification: Uncertain significance for Neurofibromatosis, type 1. Last evaluated: 2024-10-17. Review status: criteria provided, single submitter. Criteria: Invitae Variant Classification Sherloc (09022015). Collection method: clinical testing. Allele origin: germline.
Comment: This sequence change replaces arginine, which is basic and polar, with lysine, which is basic and polar, at codon 815 of the NF1 protein (p.Arg815Lys). This variant is not present in population databases (gnomAD no frequency). This variant has not been reported in the literature in individuals affected with NF1-related conditions. ClinVar contains an entry for this variant (Variation ID: 821289). Invitae Evidence Modeling of protein sequence and biophysical properties (such as structural, functional, and spatial information, amino acid conservation, physicochemical variation, residue mobility, and thermodynamic stability) indicates that this missense variant is not expected to disrupt NF1 protein function with a negative predictive value of 95%. In summary, the available evidence is currently insufficient to determine the role of this variant in disease. Therefore, it has been classified as a Variant of Uncertain Significance.

NM_001042492.3(NF1):c.2444G>A (p.Arg815Lys)

Gene: NF1 (neurofibromin 1; plus strand). Cytogenetic location: 17q11.2.
Variant type: single nucleotide variant.
Coding change: c.2444G>A on transcript NM_001042492.3 (MANE Select); coding-DNA position 2444, G replaced by A.
Protein change: p.Arg815Lys; replaces arginine 815 with lysine.
Molecular consequence: missense variant.
Genome position (GRCh38, 1-based): chr17:31,229,059, G>A. VCF-style: chr17-31229059-G-A. GRCh37 (hg19) VCF-style: chr17-29556077-G-A.
Other names: c.2444G>A, p.Arg815Lys (NM_000267.4); short protein forms R815K.
Identifiers: ClinVar variation 821289 (VCV000821289.10), dbSNP rs1597715123, ClinGen allele CA398983902.
Genomic context (GRCh38, chr17:31,229,059, plus strand): 5'-GCTTTGCACAAAAATTTTGTGTTTAGGCTGCTGAAAGCCTTCACAAGACCATTGTTAAGA[G>A]GCGAATGTCCCATGTGAGTGGAGGAGGATCCATAGATTTGTCTGACACAGACTCCCTACA-3'
Protein context (NP_001035957.1, residues 805-825): AESLHKTIVK[Arg815Lys]RMSHVSGGGS